The following is an entry in ClinVar:

NM_001283009.2(RTEL1):c.958+3A>G

Genes: RTEL1 (regulator of telomere elongation helicase 1; plus strand), RTEL1-TNFRSF6B (RTEL1-TNFRSF6B readthrough (NMD candidate); plus strand). Cytogenetic location: 20q13.33.
Variant type: single nucleotide variant.
Coding change: c.958+3A>G on transcript NM_001283009.2 (MANE Select); 3 bases into the intron after coding-DNA position 958, A replaced by G.
Molecular consequence: intron variant.
Genome position (GRCh38, 1-based): chr20:63,678,186, A>G. VCF-style: chr20-63678186-A-G. GRCh37 (hg19) VCF-style: chr20-62309539-A-G.
Other names: c.289+3A>G (NM_001283010.1); c.1030+3A>G (NM_032957.5, NM_032957.4); c.958+3A>G (NM_016434.4).
Identifiers: ClinVar variation 656529 (VCV000656529.11), dbSNP rs200787633, ClinGen allele CA9964519.

ClinVar aggregate classification (germline): Conflicting classifications of pathogenicity. Review status: criteria provided, conflicting classifications (1 of 4 stars). 5 submissions from 5 submitters: Uncertain significance (3); Likely benign (1). 1 of the submissions does not count toward it. Last evaluated 2026-01-28.

Conditions:
Inborn genetic diseases. Identifiers: MedGen C0950123, MeSH D030342.
Dyskeratosis congenita. Identifiers: Orphanet 1775, MedGen C0265965, MONDO:0015780.
Pulmonary fibrosis and/or bone marrow failure, Telomere-related, 3. Also called: PULMONARY FIBROSIS AND/OR BONE MARROW FAILURE SYNDROME, TELOMERE-RELATED, 3. Identifiers: Orphanet 2032, MedGen C4225346, MONDO:0014613, OMIM 616373.
Dyskeratosis congenita, autosomal recessive 5 (DKCB5). Identifiers: MedGen C3554656, MONDO:0014076, OMIM 615190.

Allele frequency attached by ClinVar (database versions not stated): ExAC 0.00005; gnomAD exomes 0.00005 and 0.00008; gnomAD 0.00007; ESP Exome Variant Server 0.00008; TOPMed 0.00008; 1000 Genomes Project 30x 0.00016; 1000 Genomes Project 0.00020.
gnomAD v4.1: 79 of 1,613,626 alleles (0.0049%); highest among the groups gnomAD compares: Admixed American, 0.04%; 1 homozygote.

Submissions (5):

Labcorp Genetics (formerly Invitae), Labcorp
Classification: Uncertain significance for Dyskeratosis congenita, autosomal recessive 5; Pulmonary fibrosis and/or bone marrow failure, Telomere-related, 3. Last evaluated: 2026-01-28. Review status: criteria provided, single submitter. Criteria: Invitae Variant Classification Sherloc (09022015). Collection method: clinical testing. Allele origin: germline.
Comment: This sequence change falls in intron 11 of the RTEL1 gene. It does not directly change the encoded amino acid sequence of the RTEL1 protein. It affects a nucleotide within the consensus splice site. This variant is present in population databases (rs200787633, gnomAD 0.03%). This variant has not been reported in the literature in individuals affected with RTEL1-related conditions. ClinVar contains an entry for this variant (Variation ID: 656529). Variants that disrupt the consensus splice site are a relatively common cause of aberrant splicing (PMID: 17576681, 9536098). Algorithms developed to predict the effect of sequence changes on RNA splicing suggest that this variant is not likely to affect RNA splicing. In summary, the available evidence is currently insufficient to determine the role of this variant in disease. Therefore, it has been classified as a Variant of Uncertain Significance.

Dasa
Classification: Uncertain significance. Last evaluated: 2025-03-03. Review status: criteria provided, single submitter. Criteria: DASA Assertion Criteria. Collection method: clinical testing. Allele origin: germline.
Comment: NM_001283009.2(RTEL1):c.958+3A>G is a splice-region variant. This variant is rare in population databases. Computational prediction algorithms are consistent with a benign effect. The currently available literature and clinical evidence are not sufficient to establish a definitive association between this variant and the reported condition. Therefore, this variant is classified as a variant of uncertain significance.

Blueprint Genetics
Classification: Likely benign. Last evaluated: 2024-11-27. Review status: criteria provided, single submitter. Criteria: ACMG Guidelines, 2015. Collection method: clinical testing. Allele origin: germline.

Ambry Genetics
Classification: Uncertain significance for Inborn genetic diseases. Last evaluated: 2022-06-21. Review status: criteria provided, single submitter. Criteria: Ambry Variant Classification Scheme 2023. Collection method: clinical testing. Allele origin: germline.
Comment: The c.1030+3A>G intronic alteration consists of a A to G substitution nucleotides after coding exon 10 in the RTEL1 gene. Based on insufficient or conflicting evidence, the clinical significance of this alteration remains unclear.

Natera, Inc.
Classification: Uncertain significance for Dyskeratosis congenita. Last evaluated: 2020-03-20. Review status: no assertion criteria provided. Collection method: clinical testing. Allele origin: germline. Not counted in ClinVar's aggregate classification.

Literature cited by the submitters: PubMed 17576681 (cited by Labcorp Genetics (formerly Invitae), Labcorp); PubMed 9536098 (cited by Labcorp Genetics (formerly Invitae), Labcorp).